The following is an entry in ClinVar:

NM_004713.6(NEMF):c.1750C>T (p.Pro584Ser)

Gene: NEMF (nuclear export mediator factor; minus strand). Cytogenetic location: 14q21.3.
Variant type: single nucleotide variant.
Coding change: c.1750C>T on transcript NM_004713.6 (MANE Select); coding-DNA position 1750, C replaced by T.
Protein change: p.Pro584Ser; replaces proline 584 with serine.
Molecular consequence: missense variant.
Genome position (GRCh38, 1-based): chr14:49,806,128, G>A on the plus strand (C>T on the coding strand, the complement: NEMF is on the minus strand). VCF-style: chr14-49806128-G-A. GRCh37 (hg19) VCF-style: chr14-50272846-G-A.
Other names: c.1687C>T, p.Pro563Ser (NM_001301732.3); c.1750C>T (NM_004713.4); short protein forms P563S, P584S.
Identifiers: ClinVar variation 3193304 (VCV003193304.3), dbSNP rs368872377, ClinGen allele CA7175157.

ClinVar aggregate classification (germline): Uncertain significance. Review status: criteria provided, multiple submitters, no conflicts (2 of 4 stars). 2 submissions from 2 submitters: Uncertain significance (2). Last evaluated 2026-06-16.

Conditions:
Inborn genetic diseases. Identifiers: MedGen C0950123, MeSH D030342.

Allele frequency attached by ClinVar (database versions not stated): ExAC 0.00005; ESP Exome Variant Server 0.00008; gnomAD 0.00014; gnomAD exomes 0.00021.

Submissions (2):

GeneDx
Classification: Uncertain significance. Last evaluated: 2026-06-16. Review status: criteria provided, single submitter. Criteria: GeneDx Variant Classification Process June 2021. Collection method: clinical testing. Allele origin: germline.
Comment: In silico analysis supports that this missense variant has a deleterious effect on protein structure/function; Has not been previously published as pathogenic or benign to our knowledge

Ambry Genetics
Classification: Uncertain significance for Inborn genetic diseases. Last evaluated: 2023-11-06. Review status: criteria provided, single submitter. Criteria: Ambry Variant Classification Scheme 2023. Collection method: clinical testing. Allele origin: germline.